The following is an entry in ClinVar:

ClinVar aggregate classification (germline): Likely benign. Review status: criteria provided, multiple submitters, no conflicts (2 of 4 stars). 3 submissions from 3 submitters: Likely benign (3). Last evaluated 2026-01-01.

Allele frequency attached by ClinVar (database versions not stated): ExAC 0.00006; gnomAD 0.00006; ESP Exome Variant Server 0.00008; gnomAD exomes 0.00012; TOPMed 0.00013; 1000 Genomes Project 30x 0.00016; 1000 Genomes Project 0.00020.
gnomAD v4.1: 281 of 1,614,180 alleles (0.017%); highest among the groups gnomAD compares: African/African-American, 0.11%; 5 homozygotes.

Submissions (3):

Labcorp Genetics (formerly Invitae), Labcorp
Classification: Likely benign. Last evaluated: 2026-01-01. Review status: criteria provided, single submitter. Criteria: Invitae Variant Classification Sherloc (09022015). Collection method: clinical testing. Allele origin: germline.

Blueprint Genetics
Classification: Likely benign. Last evaluated: 2023-07-27. Review status: criteria provided, single submitter. Criteria: ACMG Guidelines, 2015. Collection method: clinical testing. Allele origin: germline.

CeGaT Center for Human Genetics Tuebingen
Classification: Likely benign. Last evaluated: 2022-10-01. Review status: criteria provided, single submitter. Criteria: CeGaT Center For Human Genetics Tuebingen Variant Classification Criteria Version 2. Collection method: clinical testing. Allele origin: germline. Affected: yes. Observed: 1 variant allele.
Comment: ACO2: BP4, BP7

NM_001098.3(ACO2):c.1545G>A (p.Thr515=)

Gene: ACO2 (aconitase 2; plus strand). Cytogenetic location: 22q13.2.
Variant type: single nucleotide variant.
Coding change: c.1545G>A on transcript NM_001098.3 (MANE Select); coding-DNA position 1545, G replaced by A.
Protein change: p.Thr515=; no amino-acid change (threonine 515 retained).
Molecular consequence: synonymous variant.
Genome position (GRCh38, 1-based): chr22:41,524,908, G>A. VCF-style: chr22-41524908-G-A. GRCh37 (hg19) VCF-style: chr22-41920912-G-A.
Identifiers: ClinVar variation 721958 (VCV000721958.40), dbSNP rs113953699, ClinGen allele CA10257694.
Genomic context (GRCh38, chr22:41,524,908, plus strand): 5'-TGTCACAGCCCTGGCCATTGCGGGAACCCTCAAGTTCAACCCAGAGACCGACTACCTGAC[G>A]GGCACGGATGGCAAGAAGTTCAGGCTGGAGGCTCCGGATGCAGATGAGCTTCCCAAAGGG-3'
Protein context (NP_001089.1, residues 505-525): LKFNPETDYL[Thr515=]GTDGKKFRLE